The following is an entry in ClinVar:

ClinVar aggregate classification (germline): Likely benign. Review status: criteria provided, multiple submitters, no conflicts (2 of 4 stars). 4 submissions from 4 submitters: Likely benign (3). 1 of the submissions does not count toward it. Last evaluated 2026-08-01.

Conditions:
IRF2BPL-related disorder. Also called: IRF2BPL-related condition. Identifiers: MedGen CN381093.

Allele frequency attached by ClinVar (database versions not stated): 1000 Genomes Project 0.00020; 1000 Genomes Project 30x 0.00047; gnomAD 0.00059; TOPMed 0.00066; gnomAD exomes 0.00094; ExAC 0.00450.

Submissions (4):

CeGaT Center for Human Genetics Tuebingen
Classification: Likely benign. Last evaluated: 2026-08-01. Review status: criteria provided, single submitter. Criteria: CeGaT Center For Human Genetics Tuebingen Variant Classification Criteria Version 2. Collection method: clinical testing. Allele origin: germline. Affected: yes. Observed: 10 variant alleles.
Comment: IRF2BPL: BS1

Mayo Clinic Laboratories, Mayo Clinic
Classification: Likely benign. Last evaluated: 2025-10-22. Review status: criteria provided, single submitter. Criteria: ACMG Guidelines, 2015. Collection method: clinical testing. Allele origin: germline. Observed: 1 variant allele.
Comment: BS1, BP4_moderate

Blueprint Genetics
Classification: Likely benign. Last evaluated: 2024-10-31. Review status: criteria provided, single submitter. Criteria: ACMG Guidelines, 2015. Collection method: clinical testing. Allele origin: germline.

PreventionGenetics, part of Exact Sciences
Classification: Likely benign for IRF2BPL-related condition. Last evaluated: 2023-11-22. Review status: no assertion criteria provided. Collection method: clinical testing. Allele origin: germline. Not counted in ClinVar's aggregate classification.
Comment: This variant is classified as likely benign based on ACMG/AMP sequence variant interpretation guidelines (Richards et al. 2015 PMID: 25741868, with internal and published modifications).

NM_024496.4(IRF2BPL):c.1550C>T (p.Ala517Val)

Gene: IRF2BPL (interferon regulatory factor 2 binding protein like; minus strand). Cytogenetic location: 14q24.3.
Variant type: single nucleotide variant.
Coding change: c.1550C>T on transcript NM_024496.4 (MANE Select); coding-DNA position 1550, C replaced by T.
Protein change: p.Ala517Val; replaces alanine 517 with valine.
Molecular consequence: missense variant.
Genome position (GRCh38, 1-based): chr14:77,026,243, G>A on the plus strand (C>T on the coding strand, the complement: IRF2BPL is on the minus strand). VCF-style: chr14-77026243-G-A. GRCh37 (hg19) VCF-style: chr14-77492586-G-A.
Other names: p.Ala517Val; c.1550C>T (NM_024496.3); short protein forms A517V.
Identifiers: ClinVar variation 2644384 (VCV002644384.27), dbSNP rs537309510, ClinGen allele CA7283648.
Genomic context (GRCh38, chr14:77,026,243, plus strand): 5'-GCGCCCCGGCCCGACGGCGCGGCGGGCGGCAAGGCCCCGGTCCCCGGGGGTGCGCTGGGG[G>A]CGCGGCTCAGACTCACCAGAGCAGTGGGCAGCATGGGACAGCTGGCGTCCAGGTAGGGCT-3'
Protein context (NP_078772.1, residues 507-527): LPTALVSLSR[Ala517Val]PSAPPGTGAL